The following is an entry in ClinVar:

ClinVar aggregate classification (germline): Uncertain significance (1 of 4 stars; one submission).

Conditions:
CLRN2-related disorder. Also called: CLRN2-related condition.

gnomAD v4.1: 10 of 1,613,816 alleles (0.00062%); highest among the groups gnomAD compares: African/African-American, 0.012%; no homozygotes.

Submission:

PreventionGenetics, part of Exact Sciences
Classification: Uncertain significance for CLRN2-related condition. Last evaluated: 2025-03-12. Review status: criteria provided, single submitter. Criteria: ACMG Guidelines, 2015. Collection method: clinical testing. Allele origin: germline.
Comment: The CLRN2 c.442G>A variant is predicted to result in the amino acid substitution p.Val148Met. To our knowledge, this variant has not been reported in the literature. This variant is reported in 0.021% of alleles in individuals of African descent in gnomAD. At this time, the clinical significance of this variant is uncertain due to the absence of conclusive functional and genetic evidence.

NM_001079827.2(CLRN2):c.442G>A (p.Val148Met)

Gene: CLRN2 (clarin 2; plus strand). Cytogenetic location: 4p15.32.
Variant type: single nucleotide variant.
Coding change: c.442G>A on transcript NM_001079827.2 (MANE Select); coding-DNA position 442, G replaced by A.
Protein change: p.Val148Met; replaces valine 148 with methionine.
Molecular consequence: missense variant.
Genome position (GRCh38, 1-based): chr4:17,526,825, G>A. VCF-style: chr4-17526825-G-A. GRCh37 (hg19) VCF-style: chr4-17528448-G-A.
Other names: short protein forms V148M.
Identifiers: ClinVar variation 4979444 (VCV004979444.1).